The following is an entry in ClinVar:

NM_024685.4(BBS10):c.688G>C (p.Val230Leu)

Gene: BBS10 (Bardet-Biedl syndrome 10; minus strand). Cytogenetic location: 12q21.2.
Variant type: single nucleotide variant.
Coding change: c.688G>C on transcript NM_024685.4 (MANE Select); coding-DNA position 688, G replaced by C.
Protein change: p.Val230Leu; replaces valine 230 with leucine.
Molecular consequence: missense variant.
Genome position (GRCh38, 1-based): chr12:76,347,297, C>G on the plus strand (G>C on the coding strand, the complement: BBS10 is on the minus strand). VCF-style: chr12-76347297-C-G. GRCh37 (hg19) VCF-style: chr12-76741077-C-G.
Other names: short protein forms V230L.
Identifiers: ClinVar variation 4998521 (VCV004998521.1).

ClinVar aggregate classification (germline): Uncertain significance (1 of 4 stars; one submission).

Conditions:
BBS10-related disorder. Also called: BBS10-related condition.

Submission:

PreventionGenetics, part of Exact Sciences
Classification: Uncertain significance for BBS10-related condition. Last evaluated: 2025-02-10. Review status: criteria provided, single submitter. Criteria: ACMG Guidelines, 2015. Collection method: clinical testing. Allele origin: germline.
Comment: The BBS10 c.688G>C variant is predicted to result in the amino acid substitution p.Val230Leu. To our knowledge, this variant has not been reported in the literature or in a large population database (gnomAD), indicating this variant is rare. At this time, the clinical significance of this variant is uncertain due to the absence of conclusive functional and genetic evidence.